The following is an entry in ClinVar:

ClinVar aggregate classification (germline): Uncertain significance (1 of 4 stars; one submission).

Submission:

GeneDx
Classification: Uncertain significance. Last evaluated: 2024-07-11. Review status: criteria provided, single submitter. Criteria: GeneDx Variant Classification Process June 2021. Collection method: clinical testing. Allele origin: germline. Affected: yes.
Comment: In-frame deletion of 1 amino acid in a non-repeat region; Not observed at significant frequency in large population cohorts (gnomAD); In silico analysis supports a deleterious effect on protein structure/function; Has not been previously published as pathogenic or benign to our knowledge

NM_014159.7(SETD2):c.7633AAG[1] (p.Lys2546del)

Gene: SETD2 (SET domain containing 2, histone lysine methyltransferase; minus strand). Cytogenetic location: 3p21.31.
Variant type: Microsatellite.
Coding change: c.7633AAG[1] on transcript NM_014159.7 (MANE Select); one copy of the 3-base unit AAG starting at c.7633; the reference has two copies in a row; one copy, 3 bases deleted; also written c.7636_7638del.
Protein change: p.Lys2546del; deletes lysine 2546.
Molecular consequence: inframe indel (on NM_014159.6). On other transcripts: non-coding transcript variant (1).
Genome position (GRCh38, 1-based): chr3:47,017,150-47,017,152, CTT deleted on the plus strand (AAG on the coding strand, the reverse complement: SETD2 is on the minus strand); deleting any 3 consecutive bases within chr3:47,017,150-47,017,155 gives the same sequence; the position shown is the placement nearest the transcript's 3' end. VCF-style (leftmost placement, unchanged base first): chr3-47017149-ACTT-A. GRCh37 (hg19) VCF-style: chr3-47058639-ACTT-A.
Other names: c.7501AAG[1], p.Lys2502del (NM_001349370.3); c.7633_7635AAG[1], p.Lys2546del (NM_014159.6); c.7636_7638del (NM_014159.6); short protein forms K2502del, K2546del.
Identifiers: ClinVar variation 3572429 (VCV003572429.1).